The following is an entry in ClinVar:

ClinVar aggregate classification (germline): Uncertain significance. Review status: criteria provided, multiple submitters, no conflicts (2 of 4 stars). 4 submissions from 4 submitters: Uncertain significance (4). Last evaluated 2024-12-08.

Conditions:
Juvenile polyposis syndrome (JPS). Identifiers: Orphanet 2929, MedGen C0345893, MONDO:0017380, OMIM 174900.
Hereditary cancer-predisposing syndrome. Also called: Neoplastic Syndromes, Hereditary; Tumor predisposition; Hereditary neoplastic syndrome; Hereditary Cancer Syndrome. Identifiers: Orphanet 140162, MedGen C0027672, MeSH D009386, MONDO:0015356.

Allele frequency attached by ClinVar (database versions not stated): gnomAD exomes below 0.00001.
gnomAD v4.1: 3 of 1,614,018 alleles (0.00019%); highest among the groups gnomAD compares: Non-Finnish European, 0.00025%; no homozygotes.

Submissions (4):

Ambry Genetics
Classification: Uncertain significance for Hereditary cancer-predisposing syndrome. Last evaluated: 2024-12-08. Review status: criteria provided, single submitter. Criteria: Ambry Variant Classification Scheme 2023. Collection method: clinical testing. Allele origin: germline.
Comment: The p.V202A variant (also known as c.605T>C), located in coding exon 6 of the BMPR1A gene, results from a T to C substitution at nucleotide position 605. The valine at codon 202 is replaced by alanine, an amino acid with similar properties. This amino acid position is conserved. In addition, this alteration is predicted to be tolerated by in silico analysis. Based on the available evidence, the clinical significance of this variant remains unclear.

Labcorp Genetics (formerly Invitae), Labcorp
Classification: Uncertain significance for Juvenile polyposis syndrome. Last evaluated: 2024-09-01. Review status: criteria provided, single submitter. Criteria: Invitae Variant Classification Sherloc (09022015). Collection method: clinical testing. Allele origin: germline.
Comment: This sequence change replaces valine, which is neutral and non-polar, with alanine, which is neutral and non-polar, at codon 202 of the BMPR1A protein (p.Val202Ala). This variant is not present in population databases (gnomAD no frequency). This variant has not been reported in the literature in individuals affected with BMPR1A-related conditions. ClinVar contains an entry for this variant (Variation ID: 246218). Invitae Evidence Modeling of protein sequence and biophysical properties (such as structural, functional, and spatial information, amino acid conservation, physicochemical variation, residue mobility, and thermodynamic stability) indicates that this missense variant is not expected to disrupt BMPR1A protein function with a negative predictive value of 80%. In summary, the available evidence is currently insufficient to determine the role of this variant in disease. Therefore, it has been classified as a Variant of Uncertain Significance.

Color Diagnostics, LLC DBA Color Health
Classification: Uncertain significance for Hereditary cancer-predisposing syndrome. Last evaluated: 2024-03-06. Review status: criteria provided, single submitter. Criteria: ACMG Guidelines, 2015. Collection method: clinical testing. Allele origin: germline.
Comment: This missense variant replaces valine with alanine at codon 202 of the BMPR1A protein. Computational prediction suggests that this variant may not impact protein structure and function (internally defined REVEL score threshold <= 0.5, PMID: 27666373). Splice site prediction tools suggest that this variant may not impact RNA splicing. To our knowledge, functional studies have not been performed for this variant. This variant has not been reported in individuals affected with hereditary cancer in the literature. This variant has not been identified in the general population by the Genome Aggregation Database (gnomAD). The available evidence is insufficient to determine the role of this variant in disease conclusively. Therefore, this variant is classified as a Variant of Uncertain Significance.

GeneDx
Classification: Uncertain significance. Last evaluated: 2023-04-17. Review status: criteria provided, single submitter. Criteria: GeneDx Variant Classification Process June 2021. Collection method: clinical testing. Allele origin: germline. Affected: yes.
Comment: Not observed at significant frequency in large population cohorts (gnomAD); In silico analysis supports that this missense variant does not alter protein structure/function; Has not been previously published as pathogenic or benign to our knowledge

NM_004329.3(BMPR1A):c.605T>C (p.Val202Ala)

Gene: BMPR1A (bone morphogenetic protein receptor type 1A; plus strand). Cytogenetic location: 10q23.2.
Variant type: single nucleotide variant.
Coding change: c.605T>C on transcript NM_004329.3 (MANE Select); coding-DNA position 605, T replaced by C.
Protein change: p.Val202Ala; replaces valine 202 with alanine.
Molecular consequence: missense variant.
Genome position (GRCh38, 1-based): chr10:86,912,314, T>C. VCF-style: chr10-86912314-T-C. GRCh37 (hg19) VCF-style: chr10-88672071-T-C.
Other names: short protein forms V202A.
Identifiers: ClinVar variation 246218 (VCV000246218.14), dbSNP rs879254158, ClinGen allele CA10584308.